The following is an entry in ClinVar:

ClinVar aggregate classification (germline): Uncertain significance (1 of 4 stars; one submission).

gnomAD v4.1: 10 of 1,604,622 alleles (0.00062%); highest among the groups gnomAD compares: African/African-American, 0.0013%; no homozygotes.

Submission:

Labcorp Genetics (formerly Invitae), Labcorp
Classification: Uncertain significance. Last evaluated: 2024-10-16. Review status: criteria provided, single submitter. Criteria: Invitae Variant Classification Sherloc (09022015). Collection method: clinical testing. Allele origin: germline.
Comment: This sequence change replaces isoleucine, which is neutral and non-polar, with valine, which is neutral and non-polar, at codon 2167 of the HIVEP2 protein (p.Ile2167Val). This variant is not present in population databases (gnomAD no frequency). This variant has not been reported in the literature in individuals affected with HIVEP2-related conditions. An algorithm developed to predict the effect of missense changes on protein structure and function outputs the following: PolyPhen-2: "Benign". The valine amino acid residue is found in multiple mammalian species, which suggests that this missense change does not adversely affect protein function. In summary, the available evidence is currently insufficient to determine the role of this variant in disease. Therefore, it has been classified as a Variant of Uncertain Significance.

NM_006734.4(HIVEP2):c.6499A>G (p.Ile2167Val)

Gene: HIVEP2 (HIVEP zinc finger 2; minus strand). Cytogenetic location: 6q24.2.
Variant type: single nucleotide variant.
Coding change: c.6499A>G on transcript NM_006734.4 (MANE Select); coding-DNA position 6499, A replaced by G.
Protein change: p.Ile2167Val; replaces isoleucine 2167 with valine.
Molecular consequence: missense variant.
Genome position (GRCh38, 1-based): chr6:142,759,789, T>C on the plus strand (A>G on the coding strand, the complement: HIVEP2 is on the minus strand). VCF-style: chr6-142759789-T-C. GRCh37 (hg19) VCF-style: chr6-143080926-T-C.
Other names: short protein forms I2167V.
Identifiers: ClinVar variation 3693507 (VCV003693507.2).